The following is an entry in ClinVar:

ClinVar aggregate classification (germline): Uncertain significance. Review status: criteria provided, multiple submitters, no conflicts (2 of 4 stars). 2 submissions from 2 submitters: Uncertain significance (2). Last evaluated 2024-10-15.

Conditions:
Hereditary nonpolyposis colorectal neoplasms. Identifiers: MedGen C0009405, MeSH D003123.
Hereditary cancer-predisposing syndrome. Also called: Tumor predisposition; Hereditary Cancer Syndrome; Neoplastic Syndromes, Hereditary; Hereditary neoplastic syndrome. Identifiers: Orphanet 140162, MedGen C0027672, MeSH D009386, MONDO:0015356.

Allele frequency attached by ClinVar (database versions not stated): gnomAD exomes below 0.00001; gnomAD 0.00001; TOPMed 0.00001.
gnomAD v4.1: 4 of 1,604,572 alleles (0.00025%); highest among the groups gnomAD compares: South Asian, 0.0011%; no homozygotes.

Submissions (2):

Labcorp Genetics (formerly Invitae), Labcorp
Classification: Uncertain significance for Hereditary nonpolyposis colorectal neoplasms. Last evaluated: 2024-10-15. Review status: criteria provided, single submitter. Criteria: Invitae Variant Classification Sherloc (09022015). Collection method: clinical testing. Allele origin: germline.
Comment: This sequence change replaces glutamine, which is neutral and polar, with glutamic acid, which is acidic and polar, at codon 93 of the PMS2 protein (p.Gln93Glu). This variant is present in population databases (no rsID available, gnomAD 0.0009%). This variant has not been reported in the literature in individuals affected with PMS2-related conditions. ClinVar contains an entry for this variant (Variation ID: 821789). Invitae Evidence Modeling incorporating data from in vitro experimental studies (internal data) indicates that this missense variant is not expected to disrupt PMS2 function with a negative predictive value of 95%. In summary, the available evidence is currently insufficient to determine the role of this variant in disease. Therefore, it has been classified as a Variant of Uncertain Significance.

Ambry Genetics
Classification: Uncertain significance for Hereditary cancer-predisposing syndrome. Last evaluated: 2024-04-27. Review status: criteria provided, single submitter. Criteria: Ambry Variant Classification Scheme 2023. Collection method: clinical testing. Allele origin: germline.
Comment: The p.Q93E variant (also known as c.277C>G), located in coding exon 4 of the PMS2 gene, results from a C to G substitution at nucleotide position 277. The glutamine at codon 93 is replaced by glutamic acid, an amino acid with highly similar properties. This amino acid position is not well conserved in available vertebrate species. In addition, the in silico prediction for this alteration is inconclusive. Since supporting evidence is limited at this time, the clinical significance of this alteration remains unclear.

NM_000535.7(PMS2):c.277C>G (p.Gln93Glu)

Gene: PMS2 (PMS1 homolog 2, mismatch repair system component; minus strand). Cytogenetic location: 7p22.1.
Variant type: single nucleotide variant.
Coding change: c.277C>G on transcript NM_000535.7 (MANE Select); coding-DNA position 277, C replaced by G.
Protein change: p.Gln93Glu; replaces glutamine 93 with glutamic acid.
Molecular consequence: missense variant. On other transcripts: 5 prime UTR variant (9), non-coding transcript variant (1), intron variant (2).
Genome position (GRCh38, 1-based): chr7:6,003,766, G>C on the plus strand (C>G on the coding strand, the complement: PMS2 is on the minus strand). VCF-style: chr7-6003766-G-C. GRCh37 (hg19) VCF-style: chr7-6043397-G-C.
Other names: c.-129C>G (NM_001322003.2, NM_001322004.2, NM_001322005.2 and 3 more transcripts); c.277C>G, p.Gln93Glu (NM_001322006.2, NM_001322014.2); c.-608C>G (NM_001322011.2, NM_001322012.2); c.-208C>G (NM_001322015.2); c.35+206C>G (NM_001322008.2, NM_001322007.2); short protein forms Q93E.
Identifiers: ClinVar variation 821789 (VCV000821789.8), dbSNP rs1299810000, ClinGen allele CA366744677.